The following is an entry in ClinVar:

ClinVar aggregate classification (germline): Uncertain significance. Review status: criteria provided, multiple submitters, no conflicts (2 of 4 stars). 2 submissions from 2 submitters: Uncertain significance (2). Last evaluated 2026-07-28.

Conditions:
Inborn genetic diseases. Identifiers: MedGen C0950123, MeSH D030342.

Submissions (2):

Ambry Genetics
Classification: Uncertain significance for Inborn genetic diseases. Last evaluated: 2026-07-28. Review status: criteria provided, single submitter. Criteria: Ambry Variant Classification Scheme 2023. Collection method: clinical testing. Allele origin: germline.

GeneDx
Classification: Uncertain significance. Last evaluated: 2022-03-15. Review status: criteria provided, single submitter. Criteria: GeneDx Variant Classification Process June 2021. Collection method: clinical testing. Allele origin: germline. Affected: yes.
Comment: Not observed at significant frequency in large population cohorts (gnomAD); In silico analysis supports that this missense variant has a deleterious effect on protein structure/function; Has not been previously published as pathogenic or benign to our knowledge

NM_007126.5(VCP):c.1712C>T (p.Pro571Leu)

Gene: VCP (valosin containing protein; minus strand). Cytogenetic location: 9p13.3.
Variant type: single nucleotide variant.
Coding change: c.1712C>T on transcript NM_007126.5 (MANE Select); coding-DNA position 1712, C replaced by T.
Protein change: p.Pro571Leu; replaces proline 571 with leucine.
Molecular consequence: missense variant.
Genome position (GRCh38, 1-based): chr9:35,059,785, G>A on the plus strand (C>T on the coding strand, the complement: VCP is on the minus strand). VCF-style: chr9-35059785-G-A. GRCh37 (hg19) VCF-style: chr9-35059782-G-A.
Other names: c.1577C>T, p.Pro526Leu (NM_001354927.2, NM_001354928.2); short protein forms P526L, P571L.
Identifiers: ClinVar variation 1706337 (VCV001706337.3), dbSNP rs2490348771, ClinGen allele CA373276978.
Genomic context (GRCh38, chr9:35,059,785, plus strand): 5'-CCAATGTTACCTCCACGAGCCTTGGCAATCGAATCCAGCTCATCAAAGAATAGCACACAG[G>A]GGGCAGCTTGGCGGGCCTGTAGGAGGAATGGATTGATTCAAGCACTAACAAAACTAGATG-3'
Protein context (NP_009057.1, residues 561-581): EIFDKARQAA[Pro571Leu]CVLFFDELDS